The following is an entry in ClinVar:

NM_182914.3(SYNE2):c.1218G>A (p.Met406Ile)

Gene: SYNE2 (spectrin repeat containing nuclear envelope protein 2; plus strand). Cytogenetic location: 14q23.2.
Variant type: single nucleotide variant.
Coding change: c.1218G>A on transcript NM_182914.3 (MANE Select); coding-DNA position 1218, G replaced by A.
Protein change: p.Met406Ile; replaces methionine 406 with isoleucine.
Molecular consequence: missense variant.
Genome position (GRCh38, 1-based): chr14:63,976,652, G>A. VCF-style: chr14-63976652-G-A. GRCh37 (hg19) VCF-style: chr14-64443370-G-A.
Other names: c.1218G>A, p.Met406Ile (NM_015180.6); short protein forms M406I.
Identifiers: ClinVar variation 994532 (VCV000994532.4), dbSNP rs768665395, ClinGen allele CA7219368.

ClinVar aggregate classification (germline): Conflicting classifications of pathogenicity. Review status: criteria provided, conflicting classifications (1 of 4 stars). 3 submissions from 3 submitters: Uncertain significance (2); Likely benign (1). Last evaluated 2024-06-29.

Conditions:
Emery-Dreifuss muscular dystrophy 5, autosomal dominant (EDMD5). Also called: EMERY-DREIFUSS MUSCULAR DYSTROPHY 5. Identifiers: Orphanet 261, MedGen C2751805, MONDO:0013072, OMIM 612999.

Allele frequency attached by ClinVar (database versions not stated): gnomAD exomes 0.00001 and 0.00004; ExAC 0.00002; gnomAD 0.00008.
gnomAD v4.1: 30 of 1,611,240 alleles (0.0019%); highest among the groups gnomAD compares: Admixed American, 0.005%; no homozygotes.

Submissions (3):

Labcorp Genetics (formerly Invitae), Labcorp
Classification: Uncertain significance for Emery-Dreifuss muscular dystrophy 5, autosomal dominant. Last evaluated: 2024-06-29. Review status: criteria provided, single submitter. Criteria: Invitae Variant Classification Sherloc (09022015). Collection method: clinical testing. Allele origin: germline.
Comment: This sequence change replaces methionine, which is neutral and non-polar, with isoleucine, which is neutral and non-polar, at codon 406 of the SYNE2 protein (p.Met406Ile). This variant is present in population databases (rs768665395, gnomAD 0.04%), and has an allele count higher than expected for a pathogenic variant. This variant has not been reported in the literature in individuals affected with SYNE2-related conditions. ClinVar contains an entry for this variant (Variation ID: 994532). Algorithms developed to predict the effect of missense changes on protein structure and function output the following: SIFT: "Not Available"; PolyPhen-2: "Benign"; Align-GVGD: "Not Available". The isoleucine amino acid residue is found in multiple mammalian species, which suggests that this missense change does not adversely affect protein function. In summary, the available evidence is currently insufficient to determine the role of this variant in disease. Therefore, it has been classified as a Variant of Uncertain Significance.

Ambry Genetics
Classification: Likely benign. Last evaluated: 2023-12-27. Review status: criteria provided, single submitter. Criteria: Ambry Variant Classification Scheme 2023. Collection method: clinical testing. Allele origin: germline.

Athena Diagnostics
Classification: Uncertain significance. Last evaluated: 2019-12-19. Review status: criteria provided, single submitter. Criteria: Athena Diagnostics Criteria. Collection method: clinical testing. Allele origin: unknown.